The following is an entry in ClinVar:

ClinVar aggregate classification (germline): Uncertain significance (1 of 4 stars; one submission).

Allele frequency attached by ClinVar (database versions not stated): gnomAD exomes below 0.00001.
gnomAD v4.1: 2 of 1,612,734 alleles (0.00012%); highest among the groups gnomAD compares: African/African-American, 0.0013%; no homozygotes.

Submission:

Labcorp Genetics (formerly Invitae), Labcorp
Classification: Uncertain significance. Last evaluated: 2023-12-11. Review status: criteria provided, single submitter. Criteria: Invitae Variant Classification Sherloc (09022015). Collection method: clinical testing. Allele origin: germline.
Comment: This sequence change replaces arginine, which is basic and polar, with glycine, which is neutral and non-polar, at codon 117 of the SLC24A1 protein (p.Arg117Gly). This variant is present in population databases (no rsID available, gnomAD 0.007%). This variant has not been reported in the literature in individuals affected with SLC24A1-related conditions. ClinVar contains an entry for this variant (Variation ID: 1386354). Algorithms developed to predict the effect of missense changes on protein structure and function output the following: SIFT: "Not Available"; PolyPhen-2: "Possibly Damaging"; Align-GVGD: "Not Available". The glycine amino acid residue is found in multiple mammalian species, which suggests that this missense change does not adversely affect protein function. In summary, the available evidence is currently insufficient to determine the role of this variant in disease. Therefore, it has been classified as a Variant of Uncertain Significance.

NM_004727.3(SLC24A1):c.349A>G (p.Arg117Gly)

Gene: SLC24A1 (solute carrier family 24 member 1; plus strand). Cytogenetic location: 15q22.31.
Variant type: single nucleotide variant.
Coding change: c.349A>G on transcript NM_004727.3 (MANE Select); coding-DNA position 349, A replaced by G.
Protein change: p.Arg117Gly; replaces arginine 117 with glycine.
Molecular consequence: missense variant.
Genome position (GRCh38, 1-based): chr15:65,624,429, A>G. VCF-style: chr15-65624429-A-G. GRCh37 (hg19) VCF-style: chr15-65916767-A-G.
Other names: c.349A>G, p.Arg117Gly (NM_001301031.1, NM_001301032.1, NM_001301033.2); short protein forms R117G.
Identifiers: ClinVar variation 1386354 (VCV001386354.7), dbSNP rs1320936749, ClinGen allele CA392913428.